The following is an entry in ClinVar:

ClinVar aggregate classification (germline): Uncertain significance (1 of 4 stars; one submission).

Submission:

Labcorp Genetics (formerly Invitae), Labcorp
Classification: Uncertain significance. Last evaluated: 2025-11-03. Review status: criteria provided, single submitter. Criteria: Invitae Variant Classification Sherloc (09022015). Collection method: clinical testing. Allele origin: germline.
Comment: This sequence change replaces cysteine, which is neutral and slightly polar, with serine, which is neutral and polar, at codon 577 of the NTRK2 protein (p.Cys577Ser). This variant is not present in population databases (gnomAD no frequency). This variant has not been reported in the literature in individuals affected with NTRK2-related conditions. Invitae Evidence Modeling of protein sequence and biophysical properties (such as structural, functional, and spatial information, amino acid conservation, physicochemical variation, residue mobility, and thermodynamic stability) indicates that this missense variant is not expected to disrupt NTRK2 protein function with a negative predictive value of 80%. In summary, the available evidence is currently insufficient to determine the role of this variant in disease. Therefore, it has been classified as a Variant of Uncertain Significance.

NM_006180.6(NTRK2):c.1730G>C (p.Cys577Ser)

Gene: NTRK2 (neurotrophic receptor tyrosine kinase 2; plus strand). Cytogenetic location: 9q21.33.
Variant type: single nucleotide variant.
Coding change: c.1730G>C on transcript NM_006180.6 (MANE Select); coding-DNA position 1730, G replaced by C.
Protein change: p.Cys577Ser; replaces cysteine 577 with serine.
Molecular consequence: missense variant.
Genome position (GRCh38, 1-based): chr9:84,934,258, G>C. VCF-style: chr9-84934258-G-C. GRCh37 (hg19) VCF-style: chr9-87549173-G-C.
Other names: c.1682G>C, p.Cys561Ser (NM_001018064.3, NM_001369532.1, NM_001369533.1); c.1646G>C, p.Cys549Ser (NM_001369534.1); c.1214G>C, p.Cys405Ser (NM_001369535.1); c.1262G>C, p.Cys421Ser (NM_001369536.1); short protein forms C561S, C577S, C549S, C405S, C421S.
Identifiers: ClinVar variation 4763472 (VCV004763472.1).
Genomic context (GRCh38, chr9:84,934,258, plus strand): 5'-AAAGGGAGCTAGGCGAAGGAGCCTTTGGAAAAGTGTTCCTAGCTGAATGCTATAACCTCT[G>C]TCCTGAGCAGGACAAGATCTTGGTGGCAGTGAAGGTAAGAGAACATTCCAGAATGTCTCA-3'
Protein context (NP_006171.2, residues 567-587): KVFLAECYNL[Cys577Ser]PEQDKILVAV